The following is an entry in ClinVar:

ClinVar aggregate classification (germline): Uncertain significance (1 of 4 stars; one submission).

Conditions:
Deficiency of phosphoserine phosphatase (PSPHD). Also called: Phosphoserine phosphatase deficiency; PSPH deficiency. Identifiers: Orphanet 79350, MedGen C1291463, MONDO:0013531, OMIM 614023.

Allele frequency attached by ClinVar (database versions not stated): gnomAD exomes below 0.00001; TOPMed below 0.00001.
gnomAD v4.1: 4 of 1,614,116 alleles (0.00025%); highest among the groups gnomAD compares: Non-Finnish European, 0.00025%; no homozygotes.

Submission:

Labcorp Genetics (formerly Invitae), Labcorp
Classification: Uncertain significance for Deficiency of phosphoserine phosphatase. Last evaluated: 2021-03-26. Review status: criteria provided, single submitter. Criteria: Invitae Variant Classification Sherloc (09022015). Collection method: clinical testing. Allele origin: germline.
Comment: In summary, the available evidence is currently insufficient to determine the role of this variant in disease. Therefore, it has been classified as a Variant of Uncertain Significance. Algorithms developed to predict the effect of missense changes on protein structure and function (SIFT, PolyPhen-2, Align-GVGD) all suggest that this variant is likely to be tolerated, but these predictions have not been confirmed by published functional studies and their clinical significance is uncertain. This variant has not been reported in the literature in individuals with PSPH-related conditions. This variant is not present in population databases (ExAC no frequency). This sequence change replaces histidine with arginine at codon 170 of the PSPH protein (p.His170Arg). The histidine residue is weakly conserved and there is a small physicochemical difference between histidine and arginine.

NM_004577.4(PSPH):c.509A>G (p.His170Arg)

Gene: PSPH (phosphoserine phosphatase; minus strand). Cytogenetic location: 7p11.2.
Variant type: single nucleotide variant.
Coding change: c.509A>G on transcript NM_004577.4 (MANE Select); coding-DNA position 509, A replaced by G.
Protein change: p.His170Arg; replaces histidine 170 with arginine.
Molecular consequence: missense variant.
Genome position (GRCh38, 1-based): chr7:56,015,084, T>C on the plus strand (A>G on the coding strand, the complement: PSPH is on the minus strand). VCF-style: chr7-56015084-T-C. GRCh37 (hg19) VCF-style: chr7-56082777-T-C.
Other names: c.509A>G, p.His170Arg (NM_001370503.1, NM_001370504.1, NM_001370505.1 and 17 more transcripts); short protein forms H170R.
Identifiers: ClinVar variation 1477627 (VCV001477627.8), dbSNP rs1788401716, ClinGen allele CA367595685.